The following is an entry in ClinVar:

ClinVar aggregate classification (germline): Uncertain significance (1 of 4 stars; one submission).

gnomAD v4.1: 1 of 1,614,148 alleles (0.000062%); no homozygotes.

Submission:

Ambry Genetics
Classification: Uncertain significance. Last evaluated: 2022-11-17. Review status: criteria provided, single submitter. Criteria: Ambry Variant Classification Scheme 2023. Collection method: clinical testing. Allele origin: germline.
Comment: The p.A803T variant (also known as c.2407G>A), located in coding exon 4 of the ALPK2 gene, results from a G to A substitution at nucleotide position 2407. The alanine at codon 803 is replaced by threonine, an amino acid with similar properties. This amino acid position is conserved. In addition, this alteration is predicted to be tolerated by in silico analysis. Since supporting evidence is limited at this time, the clinical significance of this alteration remains unclear.

NM_052947.4(ALPK2):c.2407G>A (p.Ala803Thr)

Gene: ALPK2 (alpha kinase 2; minus strand). Cytogenetic location: 18q21.31.
Variant type: single nucleotide variant.
Coding change: c.2407G>A on transcript NM_052947.4 (MANE Select); coding-DNA position 2407, G replaced by A.
Protein change: p.Ala803Thr; replaces alanine 803 with threonine.
Molecular consequence: missense variant.
Genome position (GRCh38, 1-based): chr18:58,537,780, C>T on the plus strand (G>A on the coding strand, the complement: ALPK2 is on the minus strand). VCF-style: chr18-58537780-C-T. GRCh37 (hg19) VCF-style: chr18-56205012-C-T.
Other names: short protein forms A803T.
Identifiers: ClinVar variation 2497260 (VCV002497260.2), dbSNP rs2051662046, ClinGen allele CA402570778.